The following is an entry in ClinVar:

ClinVar aggregate classification (germline): Pathogenic. Review status: criteria provided, multiple submitters, no conflicts (2 of 4 stars). 2 submissions from 2 submitters: Pathogenic (2). Last evaluated 2022-11-08.

Conditions:
Spastic paraplegia. Identifiers: MedGen C0037772, HP:0001258.

Submissions (2):

Labcorp Genetics (formerly Invitae), Labcorp
Classification: Pathogenic for Spastic paraplegia. Last evaluated: 2022-11-08. Review status: criteria provided, single submitter. Criteria: Invitae Variant Classification Sherloc (09022015). Collection method: clinical testing. Allele origin: germline.
Comment: For these reasons, this variant has been classified as Pathogenic. This sequence change affects a donor splice site in intron 7 of the L1CAM gene. It is expected to disrupt RNA splicing. Variants that disrupt the donor or acceptor splice site typically lead to a loss of protein function (PMID: 16199547), and loss-of-function variants in L1CAM are known to be pathogenic (PMID: 19846429). This variant is not present in population databases (gnomAD no frequency). Disruption of this splice site has been observed in individuals with L1 syndrome (PMID: 10797421, 33196764). ClinVar contains an entry for this variant (Variation ID: 419506). Algorithms developed to predict the effect of sequence changes on RNA splicing suggest that this variant may disrupt the consensus splice site.

GeneDx
Classification: Pathogenic. Last evaluated: 2021-09-20. Review status: criteria provided, single submitter. Criteria: GeneDx Variant Classification Process June 2021. Collection method: clinical testing. Allele origin: germline. Affected: yes.
Comment: Canonical splice site variant predicted to result in a null allele in a gene for which loss-of-function is a known mechanism of disease; Not observed at significant frequency in large population cohorts (Lek et al., 2016); This variant is associated with the following publications: (PMID: 33196764, 10797421)

Literature cited by the submitters: PubMed 16199547 (cited by Labcorp Genetics (formerly Invitae), Labcorp); PubMed 19846429 (cited by Labcorp Genetics (formerly Invitae), Labcorp); PubMed 10797421 (cited by Labcorp Genetics (formerly Invitae), Labcorp); PubMed 33196764 (cited by Labcorp Genetics (formerly Invitae), Labcorp).

NM_001278116.2(L1CAM):c.806+1G>C

Gene: L1CAM (L1 cell adhesion molecule; minus strand). Cytogenetic location: Xq28.
Variant type: single nucleotide variant.
Coding change: c.806+1G>C on transcript NM_001278116.2 (MANE Select); the canonical splice donor site of the intron after coding-DNA position 806, G replaced by C.
Molecular consequence: splice donor variant.
Genome position (GRCh38, 1-based): chrX:153,870,387, C>G on the plus strand (G>C on the coding strand, the complement: L1CAM is on the minus strand). VCF-style: chrX-153870387-C-G. GRCh37 (hg19) VCF-style: chrX-153135842-C-G.
Other names: c.791+1G>C (NM_001143963.2); c.806+1G>C (NM_024003.3, NM_000425.5).
Identifiers: ClinVar variation 419506 (VCV000419506.8), dbSNP rs1064793920, ClinGen allele CA16621237.